The following is an entry in ClinVar:

ClinVar aggregate classification (germline): Conflicting classifications of pathogenicity. Review status: criteria provided, conflicting classifications (1 of 4 stars). 3 submissions from 3 submitters: Uncertain significance (2); Likely benign (1). Last evaluated 2025-04-08.

Conditions:
Cardiovascular phenotype. Identifiers: MedGen CN230736.

Allele frequency attached by ClinVar (database versions not stated): gnomAD 0.00001; gnomAD exomes 0.00002; TOPMed 0.00002.
gnomAD v4.1: 26 of 1,526,352 alleles (0.0017%); highest among the groups gnomAD compares: Non-Finnish European, 0.0021%; no homozygotes.

Submissions (3):

Molecular Diagnostic Laboratory for Inherited Cardiovascular Disease, Montreal Heart Institute
Classification: Uncertain significance for Cardiovascular phenotype. Last evaluated: 2025-04-08. Review status: criteria provided, single submitter. Criteria: ACMG Guidelines, 2015. Collection method: clinical testing. Allele origin: germline. Affected: yes.

Women's Health and Genetics/Laboratory Corporation of America, LabCorp
Classification: Uncertain significance. Last evaluated: 2023-06-26. Review status: criteria provided, single submitter. Criteria: LabCorp Variant Classification Summary - May 2015. Collection method: clinical testing. Allele origin: germline.
Comment: Variant summary: LMNA c.*722T>C (also known as NM_001257374: c.1714T>C, p.Cys572Arg) is located in the untranslated mRNA region downstream of the termination codon. The variant allele was found at a frequency of 2.5e-05 in 120704 control chromosomes (gnomAD). The available data on variant occurrences in the general population are insufficient to allow any conclusion about variant significance. To our knowledge, no occurrence of c.*722T>C in individuals affected with Cardiomyopathy and no experimental evidence demonstrating its impact on protein function have been reported. No submitters have cited clinical-significance assessments for this variant to ClinVar after 2014. Based on the evidence outlined above, the variant was classified as uncertain significance.

Blueprint Genetics
Classification: Likely benign. Last evaluated: 2023-04-05. Review status: criteria provided, single submitter. Criteria: ACMG Guidelines, 2015. Collection method: clinical testing. Allele origin: germline.

Literature cited by the submitters: PubMed 35449878 (cited by Women's Health and Genetics/Laboratory Corporation of America, LabCorp).

NM_170707.4(LMNA):c.*722T>C

Gene: LMNA (lamin A/C; plus strand). Cytogenetic location: 1q22.
Variant type: single nucleotide variant.
Coding change: c.*722T>C on transcript NM_170707.4 (MANE Select); 722 bases downstream of the stop codon, T replaced by C.
Molecular consequence: 3 prime UTR variant. On other transcripts: missense variant (1).
Genome position (GRCh38, 1-based): chr1:156,139,828, T>C. VCF-style: chr1-156139828-T-C. GRCh37 (hg19) VCF-style: chr1-156109619-T-C.
Other names: c.*722T>C (NM_170707.3, NM_001282626.2, NM_170708.4); c.1714T>C, p.Cys572Arg (NM_001257374.3); short protein forms C572R.
Identifiers: ClinVar variation 684833 (VCV000684833.5), dbSNP rs921268252, ClinGen allele CA31018257.